The following is an entry in ClinVar:

ClinVar aggregate classification (germline): Pathogenic (1 of 4 stars; one submission).

Submission:

Labcorp Genetics (formerly Invitae), Labcorp
Classification: Pathogenic. Last evaluated: 2024-01-08. Review status: criteria provided, single submitter. Criteria: Invitae Variant Classification Sherloc (09022015). Collection method: clinical testing. Allele origin: unknown.
Comment: This variant is a gross deletion of the genomic region encompassing exon(s) 2 of the PARK2 gene. This deletion is out-of-frame, and is expected to create a premature termination codon and result in an absent or disrupted protein product. Loss-of-function variants in PARK2 are known to be pathogenic (PMID: 10072423, 20301651, 22956510). A similar copy number variant has been observed in individuals with early-onset Parkinson's disease (PMID: 17914726, 21993715, 23880019). For these reasons, this variant has been classified as Pathogenic.

Literature cited by the submitters: PubMed 10072423; PubMed 20301651; PubMed 22956510; PubMed 17914726; PubMed 21993715; PubMed 23880019.

NC_000006.11:g.(?_162864322)_(162864525_?)del

Gene: PRKN (parkin RBR E3 ubiquitin protein ligase; minus strand). Cytogenetic location: 6q26.
Variant type: Deletion.
Identifiers: ClinVar variation 3246176 (VCV003246176.1).